The following is an entry in ClinVar:

ClinVar aggregate classification (germline): Uncertain significance. Review status: criteria provided, multiple submitters, no conflicts (2 of 4 stars). 2 submissions from 2 submitters: Uncertain significance (2). Last evaluated 2025-07-29.

Conditions:
RAD21-related disorder. Also called: RAD21-related condition; RAD21- Related disorders.
Inborn genetic diseases. Identifiers: MedGen C0950123, MeSH D030342.

Allele frequency attached by ClinVar (database versions not stated): gnomAD exomes below 0.00001; ExAC 0.00002; gnomAD 0.00002; TOPMed 0.00004; ESP Exome Variant Server 0.00008.
gnomAD v4.1: 9 of 1,596,204 alleles (0.00056%); highest among the groups gnomAD compares: Admixed American, 0.0017%; no homozygotes.

Submissions (2):

PreventionGenetics, part of Exact Sciences
Classification: Uncertain significance for RAD21-related condition. Last evaluated: 2025-07-29. Review status: criteria provided, single submitter. Criteria: ACMG Guidelines, 2015. Collection method: clinical testing. Allele origin: germline.
Comment: The RAD21 c.805A>G variant is predicted to result in the amino acid substitution p.Asn269Asp. To our knowledge, this variant has not been reported in the literature. This variant is reported in 0.0018% of alleles in individuals of European (Non-Finnish) descent in gnomAD. At this time, the clinical significance of this variant is uncertain due to the absence of conclusive functional and genetic evidence.

Ambry Genetics
Classification: Uncertain significance for Inborn genetic diseases. Last evaluated: 2020-07-24. Review status: criteria provided, single submitter. Criteria: Ambry Variant Classification Scheme 2023. Collection method: clinical testing. Allele origin: germline.
Comment: The p.N269D variant (also known as c.805A>G), located in coding exon 6 of the RAD21 gene, results from an A to G substitution at nucleotide position 805. The asparagine at codon 269 is replaced by aspartic acid, an amino acid with highly similar properties. This amino acid position is highly conserved in available vertebrate species. In addition, this alteration is predicted to be tolerated by in silico analysis. Since supporting evidence is limited at this time, the clinical significance of this alteration remains unclear.

Literature cited by the submitters: PubMed 22633399 (cited by Ambry Genetics).

NM_006265.3(RAD21):c.805A>G (p.Asn269Asp)

Gene: RAD21 (RAD21 cohesin complex component; minus strand). Cytogenetic location: 8q24.11.
Variant type: single nucleotide variant.
Coding change: c.805A>G on transcript NM_006265.3 (MANE Select); coding-DNA position 805, A replaced by G.
Protein change: p.Asn269Asp; replaces asparagine 269 with aspartic acid.
Molecular consequence: missense variant.
Genome position (GRCh38, 1-based): chr8:116,856,655, T>C on the plus strand (A>G on the coding strand, the complement: RAD21 is on the minus strand). VCF-style: chr8-116856655-T-C. GRCh37 (hg19) VCF-style: chr8-117868894-T-C.
Other names: short protein forms N269D.
Identifiers: ClinVar variation 1761829 (VCV001761829.4), dbSNP rs376740145, ClinGen allele CA4853003.